The following is an entry in ClinVar:

NM_198428.3(BBS9):c.1014_1015delinsTT (p.Leu338_His339delinsPheTyr)

Gene: BBS9 (Bardet-Biedl syndrome 9; plus strand). Cytogenetic location: 7p14.3.
Variant type: Indel.
Coding change: c.1014_1015delinsTT on transcript NM_198428.3 (MANE Select); coding-DNA positions 1014 to 1015, GC replaced by TT.
Protein change: p.Leu338_His339delinsPheTyr.
Molecular consequence: missense variant. On other transcripts: non-coding transcript variant (3).
Genome position (GRCh38, 1-based): chr7:33,273,954-33,273,955, GC replaced by TT. VCF-style: chr7-33273954-GC-TT. GRCh37 (hg19) VCF-style: chr7-33313566-GC-TT.
Other names: c.1014_1015delinsTT, p.Leu338_His339delinsPheTyr (NM_001033604.2, NM_001033605.2, NM_001348036.1 and 5 more transcripts); c.648_649delinsTT, p.Leu216_His217delinsPheTyr (NM_001348037.3, NM_001348044.3, NM_001348045.3 and 1 more transcripts); c.741_742delinsTT, p.Leu247_His248delinsPheTyr (NM_001348038.3, NM_001348039.3); c.879_880delinsTT, p.Leu293_His294delinsPheTyr (NM_001348042.3).
Identifiers: ClinVar variation 1064251 (VCV001064251.7), dbSNP rs2128347670, ClinGen allele CA2499218876.
Genomic context (GRCh38, chr7:33,273,954, plus strand): 5'-GACACTGAAGTGGGCCACCCAACTTCCCCACATTCCTGTAGCAGTAAGAGTGGGCTGTTT[GC>TT]AGTAAGTGATTTAATTTAACACAGTTTTTAAAGAGGATGTTAGTCAAGAAATTTTCTAGA-3'

ClinVar aggregate classification (germline): Uncertain significance. Review status: criteria provided, multiple submitters, no conflicts (2 of 4 stars). 2 submissions from 2 submitters: Uncertain significance (2). Last evaluated 2025-12-26.

Conditions:
Bardet-Biedl syndrome (BBS). Identifiers: Orphanet 110, MedGen C0752166, MONDO:0015229.

Submissions (2):

Labcorp Genetics (formerly Invitae), Labcorp
Classification: Uncertain significance for Bardet-Biedl syndrome. Last evaluated: 2025-12-26. Review status: criteria provided, single submitter. Criteria: Invitae Variant Classification Sherloc (09022015). Collection method: clinical testing. Allele origin: germline.
Comment: This variant, c.1014_1015delinsTT, is a complex sequence change that results in the deletion of 2 and insertion of 2 amino acid(s) in the BBS9 protein (p.Leu338_His339delinsPheTyr). Information on the frequency of this variant in the gnomAD database is not available, as this variant may be reported differently in the database. This variant has not been reported in the literature in individuals affected with BBS9-related conditions. ClinVar contains an entry for this variant (Variation ID: 1064251). Experimental studies and prediction algorithms are not available or were not evaluated, and the functional significance of this variant is currently unknown. In summary, the available evidence is currently insufficient to determine the role of this variant in disease. Therefore, it has been classified as a Variant of Uncertain Significance.

Blueprint Genetics
Classification: Uncertain significance. Last evaluated: 2024-08-19. Review status: criteria provided, single submitter. Criteria: ACMG Guidelines, 2015. Collection method: clinical testing. Allele origin: germline.